The following is an entry in ClinVar:

ClinVar aggregate classification (germline): Pathogenic. Review status: reviewed by expert panel (3 of 4 stars). 6 submissions from 6 submitters: Pathogenic (1). 5 of the submissions do not count toward it. Last evaluated 2017-03-17.

Conditions:
Cystic fibrosis (CF). Also called: MUCOVISCIDOSIS. Identifiers: Orphanet 586, MedGen C0010674, MONDO:0009061, OMIM 219700. Disease mechanism: loss of function.
CFTR-related disorder (CFTR-RD). Also called: CFTR-related condition; CFTR-related disorders. Identifiers: MedGen C5924204, MONDO:7770004.

Allele frequency attached by ClinVar (database versions not stated): gnomAD exomes below 0.00001.

Submissions (6):

CFTR2
Classification: Pathogenic for Cystic fibrosis. Last evaluated: 2017-03-17. Review status: reviewed by expert panel. Criteria: Sosnay PR et al. (Nat Genet 2013). Collection method: research. Allele origin: germline. Affected: yes. Study: CFTR2.

Institute of Human Genetics, University of Leipzig Medical Center
Classification: Pathogenic for Cystic fibrosis. Last evaluated: 2026-02-23. Review status: criteria provided, single submitter. Criteria: ACMG Guidelines, 2015. Collection method: clinical testing. Allele origin: unknown. Inheritance: Autosomal recessive inheritance. Affected: yes. Not counted in ClinVar's aggregate classification.
Comment: Criteria applied: PVS1,PM3,PM2_SUP

Natera, Inc.
Classification: Pathogenic for CFTR-related disorders. Last evaluated: 2024-09-10. Review status: criteria provided, single submitter. Criteria: Natera Variant Classification Schema (03/2026). Collection method: clinical testing. Allele origin: germline. Not counted in ClinVar's aggregate classification.
Comment: The c.4086dupT variant in CFTR is a frameshift variant predicted to shift the reading frame and introduce a stop codon. This variant is expected to result in nonsense mediated decay, truncation, or a dysfunctional protein product. This variant is rare in the general population with a frequency below the threshold expected for the associated phenotype(s). This variant has been observed in one or more individuals affected with the associated recessive disease, as either homozygous or compound heterozygous with a second variant (PMID: 22892530). Given the available evidence, this variant is classified as Pathogenic.

Women's Health and Genetics/Laboratory Corporation of America, LabCorp
Classification: Pathogenic for Cystic fibrosis. Last evaluated: 2022-08-08. Review status: criteria provided, single submitter. Criteria: LabCorp Variant Classification Summary - May 2015. Collection method: clinical testing. Allele origin: germline. Not counted in ClinVar's aggregate classification.
Comment: Variant summary: CFTR c.4086dupT (p.Lys1363X) results in a premature termination codon, predicted to cause a truncation of the encoded protein or absence of the protein due to nonsense mediated decay, which are commonly known mechanisms for disease. Truncations downstream of this position have been classified as pathogenic by our laboratory. The variant was absent in 251270 control chromosomes. c.4086dupT has been reported in the literature in individuals affected with Cystic Fibrosis. These data indicate that the variant may be associated with disease. Four clinical diagnostic laboratories have submitted clinical-significance assessments for this variant to ClinVar after 2014 without evidence for independent evaluation. All laboratories classified the variant as pathogenic. Based on the evidence outlined above, the variant was classified as pathogenic.

Labcorp Genetics (formerly Invitae), Labcorp
Classification: Pathogenic for Cystic fibrosis. Last evaluated: 2019-05-13. Review status: criteria provided, single submitter. Criteria: Invitae Variant Classification Sherloc (09022015). Collection method: clinical testing. Allele origin: germline. Not counted in ClinVar's aggregate classification.
Comment: For these reasons, this variant has been classified as Pathogenic. Loss-of-function variants in CFTR are known to be pathogenic (PMID: 1695717, 7691345, 9725922). This variant has been observed in individuals with CFTR-related conditions (PMID: 7508414, 23974870). ClinVar contains an entry for this variant (Variation ID: 53884). This variant is also known as 4218insT and c.4086_4087insT in the literature. This variant is not present in population databases (ExAC no frequency). This sequence change creates a premature translational stop signal (p.Lys1363*) in the CFTR gene. It is expected to result in an absent or disrupted protein product.

CFTR-France
Classification: Pathogenic for cystic fibrosis. Last evaluated: 2018-01-29. Review status: criteria provided, single submitter. Criteria: Claustres M et al. (Hum Mutat 2017). Collection method: curation. Allele origin: germline. Affected: yes. Not counted in ClinVar's aggregate classification.

Literature cited by the submitters: PubMed 22892530 (cited by Natera, Inc.); PubMed 10228103 (cited by Women's Health and Genetics/Laboratory Corporation of America, LabCorp); PubMed 30888834 (cited by Women's Health and Genetics/Laboratory Corporation of America, LabCorp); PubMed 1695717 (cited by Labcorp Genetics (formerly Invitae), Labcorp); PubMed 7691345 (cited by Labcorp Genetics (formerly Invitae), Labcorp); PubMed 9725922 (cited by Labcorp Genetics (formerly Invitae), Labcorp); PubMed 7508414 (cited by Labcorp Genetics (formerly Invitae), Labcorp); PubMed 23974870 (cited by Labcorp Genetics (formerly Invitae), Labcorp).

NM_000492.4(CFTR):c.4086dup (p.Lys1363Ter)

Gene: CFTR (CF transmembrane conductance regulator; plus strand). Cytogenetic location: 7q31.2.
Variant type: Duplication.
Coding change: c.4086dup on transcript NM_000492.4 (MANE Select); coding-DNA position 4086, one base duplicated (T; older notation c.4086dupT).
Protein change: p.Lys1363Ter; replaces lysine 1363 with a stop codon.
Molecular consequence: nonsense.
Genome position (GRCh38, 1-based): chr7:117,664,810, T duplicated. VCF-style (leftmost placement, unchanged base first): chr7-117664809-G-GT. GRCh37 (hg19) VCF-style: chr7-117304863-G-GT.
Other names: 4218insT; c.4086dupT (NM_000492.3); short protein forms K1363*.
Identifiers: ClinVar variation 487402 (VCV000487402.14), dbSNP rs397508669, ClinGen allele CA327394.